The following is an entry in ClinVar:

ClinVar aggregate classification (germline): Pathogenic. Review status: criteria provided, single submitter (1 of 4 stars). 2 submissions from 2 submitters: Pathogenic (1). 1 of the submissions does not count toward it. Last evaluated 2023-10-08.

Conditions:
Charcot-Marie-Tooth disease. Also called: Charcot-Marie-Tooth Hereditary Neuropathy; Charcot-Marie-Tooth Neuropathy. Identifiers: Orphanet 166, MedGen C0007959, MONDO:0015626.
Charcot-Marie-Tooth disease, type I (CMT1). Also called: Charcot-Marie-Tooth disease type 1; Charcot-Marie-Tooth, Type 1. Identifiers: Orphanet 65753, MedGen C0751036, MONDO:0019011.

Submissions (2):

Labcorp Genetics (formerly Invitae), Labcorp
Classification: Pathogenic for Charcot-Marie-Tooth disease, type I. Last evaluated: 2023-10-08. Review status: criteria provided, single submitter. Criteria: Invitae Variant Classification Sherloc (09022015). Collection method: clinical testing. Allele origin: germline.
Comment: This sequence change creates a premature translational stop signal (p.Arg227*) in the MPZ gene. While this is not anticipated to result in nonsense mediated decay, it is expected to disrupt the last 22 amino acid(s) of the MPZ protein. This variant is not present in population databases (gnomAD no frequency). This premature translational stop signal has been observed in individual(s) with clinical features of Charcot-Marie-Tooth disease (PMID: 24053775). ClinVar contains an entry for this variant (Variation ID: 637791). This variant disrupts a region of the MPZ protein in which other variant(s) (p.Lys236del) have been determined to be pathogenic (PMID: 12207932, 15716547, 29687021, 31173589). This suggests that this is a clinically significant region of the protein, and that variants that disrupt it are likely to be disease-causing. For these reasons, this variant has been classified as Pathogenic.

Inherited Neuropathy Consortium
Classification: Uncertain significance for Charcot-Marie-Tooth disease. Review status: no assertion criteria provided. Collection method: literature only. Allele origin: germline. Affected: yes. Not counted in ClinVar's aggregate classification.

Literature cited by the submitters: PubMed 24053775 (cited by Labcorp Genetics (formerly Invitae), Labcorp and Inherited Neuropathy Consortium); PubMed 12207932 (cited by Labcorp Genetics (formerly Invitae), Labcorp); PubMed 15716547 (cited by Labcorp Genetics (formerly Invitae), Labcorp); PubMed 29687021 (cited by Labcorp Genetics (formerly Invitae), Labcorp); PubMed 31173589 (cited by Labcorp Genetics (formerly Invitae), Labcorp).

NM_000530.8(MPZ):c.679A>T (p.Arg227Ter)

Gene: MPZ (myelin protein zero; minus strand). Cytogenetic location: 1q23.3.
Variant type: single nucleotide variant.
Coding change: c.679A>T on transcript NM_000530.8 (MANE Select); coding-DNA position 679, A replaced by T.
Protein change: p.Arg227Ter; replaces arginine 227 with a stop codon.
Molecular consequence: nonsense.
Genome position (GRCh38, 1-based): chr1:161,305,944, T>A on the plus strand (A>T on the coding strand, the complement: MPZ is on the minus strand). VCF-style: chr1-161305944-T-A. GRCh37 (hg19) VCF-style: chr1-161275734-T-A.
Other names: c.679A>T, p.Arg227Ter (NM_001315491.2); c.679A>T (LRG_256t1); short protein forms R227*.
Identifiers: ClinVar variation 637791 (VCV000637791.4), dbSNP rs1571817154, ClinGen allele CA343344343.